The following is an entry in ClinVar:

NM_000542.5(SFTPB):c.529G>A (p.Val177Ile)

Gene: SFTPB (surfactant protein B; minus strand). Cytogenetic location: 2p11.2.
Variant type: single nucleotide variant.
Coding change: c.529G>A on transcript NM_000542.5 (MANE Select); coding-DNA position 529, G replaced by A.
Protein change: p.Val177Ile; replaces valine 177 with isoleucine.
Molecular consequence: missense variant.
Genome position (GRCh38, 1-based): chr2:85,665,659, C>T on the plus strand (G>A on the coding strand, the complement: SFTPB is on the minus strand). VCF-style: chr2-85665659-C-T. GRCh37 (hg19) VCF-style: chr2-85892782-C-T.
Other names: c.529G>A, p.Val177Ile (NM_001367281.2, NM_198843.4); short protein forms V177I.
Identifiers: ClinVar variation 227072 (VCV000227072.22), dbSNP rs34550459, ClinGen allele CA1744015.
Genomic context (GRCh38, chr2:85,665,659, plus strand): 5'-CCCTCACCTGTGTGTGAGGCCCAGGCCTCGCCTGGAGGGCCCCGGGCAGCACAGGGAGGA[C>T]GAGCTTGTCCAGCAGAGGGTCTGGCAGAGGGTCCCGCAGAGGTTTGGGCAGGGGGTCTGA-3'
Protein context (NP_000533.4, residues 167-187): PLPDPLLDKL[Val177Ile]LPVLPGALQA

ClinVar aggregate classification (germline): Benign. Review status: criteria provided, multiple submitters, no conflicts (2 of 4 stars). 8 submissions from 8 submitters: Benign (8). Last evaluated 2026-01-12.

Conditions:
Hereditary pulmonary alveolar proteinosis. Also called: Pulmonary surfactant metabolism dysfunction. Identifiers: Orphanet 264675, MedGen C3711368, MONDO:0012580.
Surfactant metabolism dysfunction, pulmonary, 1. Also called: INTERSTITIAL LUNG DISEASE DUE TO SURFACTANT PROTEIN B DEFICIENCY; INTERSTITIAL LUNG DISEASE, NONSPECIFIC, DUE TO SURFACTANT PROTEIN B DEFICIENCY; PULMONARY ALVEOLAR PROTEINOSIS, CONGENITAL, 1; Pulmonary surfactant protein B, deficiency of; Neonatal acute respiratory distress due to SP-B deficiency. Identifiers: Orphanet 217563, MedGen C1968602, MONDO:0009929, OMIM 265120.

Allele frequency attached by ClinVar (database versions not stated): 1000 Genomes Project 30x 0.01296; ESP Exome Variant Server 0.00038; gnomAD 0.00607 and 0.00628; TOPMed 0.01163; 1000 Genomes Project 0.01218.

Submissions (8):

Labcorp Genetics (formerly Invitae), Labcorp
Classification: Benign. Last evaluated: 2026-01-12. Review status: criteria provided, single submitter. Criteria: Invitae Variant Classification Sherloc (09022015). Collection method: clinical testing. Allele origin: germline.

Blueprint Genetics
Classification: Benign. Last evaluated: 2024-11-26. Review status: criteria provided, single submitter. Criteria: ACMG Guidelines, 2015. Collection method: clinical testing. Allele origin: germline.

GeneDx
Classification: Benign. Last evaluated: 2020-03-06. Review status: criteria provided, single submitter. Criteria: GeneDx Variant Classification Process June 2021. Collection method: clinical testing. Allele origin: germline. Affected: yes.

Illumina Laboratory Services, Illumina
Classification: Benign for Surfactant metabolism dysfunction, pulmonary, 1. Last evaluated: 2018-01-12. Review status: criteria provided, single submitter. Criteria: ICSL Variant Classification Criteria 13 December 2019. Collection method: clinical testing. Allele origin: germline.
Comment: This variant was observed in the ICSL laboratory as part of a predisposition screen in an ostensibly healthy population. It had not been previously curated by ICSL or reported in the Human Gene Mutation Database (HGMD: prior to June 1st, 2018), and was therefore a candidate for classification through an automated scoring system. Utilizing variant allele frequency, disease prevalence and penetrance estimates, and inheritance mode, an automated score was calculated to assess if this variant is too frequent to cause the disease. Based on the score and internal cut-off values, a variant classified as benign is not then subjected to further curation. The score for this variant resulted in a classification of benign for this disease.

Center for Pediatric Genomic Medicine, Children's Mercy Hospital and Clinics
Classification: Benign. Last evaluated: 2016-01-21. Review status: criteria provided, single submitter. Criteria: ACMG Guidelines, 2015. Collection method: clinical testing. Allele origin: germline.

Ambry Genetics
Classification: Benign for Hereditary pulmonary alveolar proteinosis. Last evaluated: 2016-01-05. Review status: criteria provided, single submitter. Criteria: Ambry Variant Classification Scheme 2023. Collection method: clinical testing. Allele origin: germline.

Laboratory for Molecular Medicine, Mass General Brigham Personalized Medicine
Classification: Benign. Last evaluated: 2013-02-21. Review status: criteria provided, single submitter. Criteria: LMM Criteria. Collection method: clinical testing. Allele origin: germline. Observed: 1 variant allele.
Comment: Val189Ile in exon 6 of SFTPB: This variant is not expected to have clinical sign ificance because it has been identified in 9.8% (13/132) of Mexican chromosomes from a broad population by the 1000 Genomes Project (/projects/SNP; dbSNP rs34550459).

Breakthrough Genomics
Classification: Benign. Review status: criteria provided, single submitter. Criteria: ACMG Guidelines, 2015. Collection method: not provided. Allele origin: germline. Inheritance: Autosomal recessive inheritance. Affected: yes.